The following is an entry in ClinVar:

NM_001022.4(RPS19):c.71+1G>C

Genes: RPS19 (ribosomal protein S19; plus strand), RPS19-CD79A (RPS19-CD79A readthrough; plus strand). Cytogenetic location: 19q13.2.
Variant type: single nucleotide variant.
Coding change: c.71+1G>C on transcript NM_001022.4 (MANE Select); the canonical splice donor site of the intron after coding-DNA position 71, G replaced by C.
Molecular consequence: splice donor variant.
Genome position (GRCh38, 1-based): chr19:41,860,846, G>C. VCF-style: chr19-41860846-G-C. GRCh37 (hg19) VCF-style: chr19-42364916-G-C.
Other names: c.71+1G>C (NM_001321484.2, NM_001321485.2, NM_001321483.2).
Identifiers: ClinVar variation 1523971 (VCV001523971.8), dbSNP rs2123256342, ClinGen allele CA406046440.
Genomic context (GRCh38, chr19:41,860,846, plus strand): 5'-TACTGTAAAAGACGTGAACCAGCAGGAGTTCGTCAGAGCTCTGGCAGCCTTCCTCAAAAA[G>C]TGAGTTTGGGGACTGAGGTTCAAAACGGGTGGAGGCTGTCGCCTTGGCCTGCCCATCTGA-3'

ClinVar aggregate classification (germline): Likely pathogenic (1 of 4 stars; one submission).

Conditions:
Diamond-Blackfan anemia. Also called: Blackfan Diamond syndrome; Aregenerative anemia chronic congenital; Red cell aplasia, pure hereditary; Congenital hypoplastic anemia; Aase syndrome. Identifiers: Orphanet 124, MedGen C1260899, MeSH D029503, MONDO:0015253, HP:0004810.

Submission:

Labcorp Genetics (formerly Invitae), Labcorp
Classification: Likely pathogenic for Diamond-Blackfan anemia. Last evaluated: 2023-03-18. Review status: criteria provided, single submitter. Criteria: Invitae Variant Classification Sherloc (09022015). Collection method: clinical testing. Allele origin: germline.
Comment: Disruption of this splice site has been observed in individual(s) with clinical features of Diamond-Blackfan anemia (DBA) (PMID: 20960466). In summary, the currently available evidence indicates that the variant is pathogenic, but additional data are needed to prove that conclusively. Therefore, this variant has been classified as Likely Pathogenic. Algorithms developed to predict the effect of sequence changes on RNA splicing suggest that this variant may disrupt the consensus splice site. ClinVar contains an entry for this variant (Variation ID: 1523971). This variant is not present in population databases (gnomAD no frequency). This sequence change affects a donor splice site in intron 2 of the RPS19 gene. It is expected to disrupt RNA splicing. Variants that disrupt the donor or acceptor splice site typically lead to a loss of protein function (PMID: 16199547), and loss-of-function variants in RPS19 are known to be pathogenic (PMID: 20960466).

Literature cited by the submitters: PubMed 20960466; PubMed 16199547.